The following is an entry in ClinVar:

ClinVar aggregate classification (germline): Uncertain significance (1 of 4 stars; one submission).

Allele frequency attached by ClinVar (database versions not stated): TOPMed below 0.00001; gnomAD 0.00001.

Submission:

Labcorp Genetics (formerly Invitae), Labcorp
Classification: Uncertain significance. Last evaluated: 2022-01-08. Review status: criteria provided, single submitter. Criteria: Invitae Variant Classification Sherloc (09022015). Collection method: clinical testing. Allele origin: germline.
Comment: Algorithms developed to predict the effect of sequence changes on RNA splicing suggest that this variant may disrupt the consensus splice site. In summary, the available evidence is currently insufficient to determine the role of this variant in disease. Therefore, it has been classified as a Variant of Uncertain Significance. This variant has not been reported in the literature in individuals affected with SRP72-related conditions. This variant is not present in population databases (gnomAD no frequency). This sequence change affects a donor splice site in intron 1 of the SRP72 gene. It is expected to disrupt RNA splicing. Variants that disrupt the donor or acceptor splice site typically lead to a loss of protein function (PMID: 16199547), however the current clinical and genetic evidence is not sufficient to establish whether loss-of-function variants in SRP72 cause disease.

Literature cited by the submitters: PubMed 16199547.

NM_006947.4(SRP72):c.109+2T>A

Gene: SRP72 (signal recognition particle 72; plus strand). Cytogenetic location: 4q12.
Variant type: single nucleotide variant.
Coding change: c.109+2T>A on transcript NM_006947.4 (MANE Select); the canonical splice donor site of the intron after coding-DNA position 109, T replaced by A.
Molecular consequence: splice donor variant.
Genome position (GRCh38, 1-based): chr4:56,467,746, T>A. VCF-style: chr4-56467746-T-A. GRCh37 (hg19) VCF-style: chr4-57333912-T-A.
Other names: c.109+2T>A (NM_001267722.2).
Identifiers: ClinVar variation 2078092 (VCV002078092.4), dbSNP rs1719791310, ClinGen allele CA356995721.